The following is an entry in ClinVar:

ClinVar aggregate classification (germline): Uncertain significance. Review status: criteria provided, multiple submitters, no conflicts (2 of 4 stars). 2 submissions from 2 submitters: Uncertain significance (2). Last evaluated 2023-12-29.

Conditions:
Autosomal recessive limb-girdle muscular dystrophy type 2B (LGMDR2). Also called: MUSCULAR DYSTROPHY, LIMB-GIRDLE, AUTOSOMAL RECESSIVE 2; MUSCULAR DYSTROPHY, LIMB-GIRDLE, TYPE 3; Limb-girdle muscular dystrophy, type 2B; Limb-Girdle Muscular Dystrophy Type 2B (LGMD2B). Identifiers: Orphanet 268, MedGen C1850889, MONDO:0009676, OMIM 253601.
Distal myopathy with anterior tibial onset. Identifiers: Orphanet 178400, MedGen C1847532, MONDO:0011721, OMIM 606768.
Miyoshi muscular dystrophy 1 (MMD1). Identifiers: Orphanet 45448, MedGen C4551973, MONDO:0024545, OMIM 254130.

gnomAD v4.1: 1 of 1,614,078 alleles (0.000062%); no homozygotes.

Submissions (2):

Fulgent Genetics
Classification: Uncertain significance for Autosomal recessive limb-girdle muscular dystrophy type 2B; Miyoshi muscular dystrophy 1; Distal myopathy with anterior tibial onset. Last evaluated: 2023-12-29. Review status: criteria provided, single submitter. Criteria: ACMG Guidelines, 2015. Collection method: clinical testing. Allele origin: germline.

3billion
Classification: Uncertain significance for Autosomal recessive limb-girdle muscular dystrophy type 2B. Last evaluated: 2023-09-27. Review status: criteria provided, single submitter. Criteria: ACMG Guidelines, 2015. Collection method: clinical testing. Allele origin: germline. Affected: yes.
Comment: The variant is not observed in the gnomAD v2.1.1 dataset. Predicted Consequence/Location: The majority of the known disease-causing variants of this gene are expected to result in premature termination of the protein. Premature termination of the protein is a common disease-causing mechanism for this gene. In silico tool predictions suggest a damaging effect of the variant on gene or gene product [REVEL: 0.95 (>=0.6, sensitivity 0.68 and specificity 0.92); 3Cnet: 0.97 (>=0.6, sensitivity 0.72 and precision 0.9)]. The same nucleotide change resulting in the same amino acid change has been previously reported to be associated with DYSF related disorder (PMID: 25135358). However, the evidence of pathogenicity is insufficient at this time. Therefore, this variant is classified as VUS according to the recommendation of ACMG/AMP guideline.

Literature cited by the submitters: PubMed 25135358 (cited by 3billion).

NM_001130987.2(DYSF):c.6024G>C (p.Trp2008Cys)

Gene: DYSF (dysferlin; plus strand). Cytogenetic location: 2p13.2.
Variant type: single nucleotide variant.
Coding change: c.6024G>C on transcript NM_001130987.2 (MANE Select); coding-DNA position 6024, G replaced by C.
Protein change: p.Trp2008Cys; replaces tryptophan 2008 with cysteine.
Molecular consequence: missense variant.
Genome position (GRCh38, 1-based): chr2:71,679,196, G>C. VCF-style: chr2-71679196-G-C. GRCh37 (hg19) VCF-style: chr2-71906326-G-C.
Other names: c.5910G>C, p.Trp1970Cys (NM_001130455.2); c.5865G>C, p.Trp1955Cys (NM_001130976.2); c.5928G>C, p.Trp1976Cys (NM_001130977.2); c.5970G>C, p.Trp1990Cys (NM_001130978.2); c.6000G>C, p.Trp2000Cys (NM_001130979.2); c.5958G>C, p.Trp1986Cys (NM_001130980.2); c.6021G>C, p.Trp2007Cys (NM_001130981.2); c.6003G>C, p.Trp2001Cys (NM_001130982.2); and 5 more; short protein forms W1970C, W1991C, W2007C, W1956C, W1976C, W1987C, W2001C, W2008C.
Identifiers: ClinVar variation 3586933 (VCV003586933.2).
Genomic context (GRCh38, chr2:71,679,196, plus strand): 5'-TGCTTTCCACCCAGAATGGTTTGTGTCCCTTTTTGAGCAGAAAACAGTGAAGGGCTGGTG[G>C]CCCTGTGTAGCAGAAGAGGGTGAGAAGAAAATACTGGCGGTAAGTCTACTTCCTCCAGCC-3'
Protein context (NP_001124459.1, residues 1998-2018): LFEQKTVKGW[Trp2008Cys]PCVAEEGEKK